The following is an entry in ClinVar:

NM_001267550.2(TTN):c.59927-19T>A

Genes: TTN (titin; minus strand), TTN-AS1 (TTN antisense RNA 1; plus strand), LOC126806424 (CDK7 strongly-dependent group 2 enhancer GRCh37_chr2:179456337-179457536; plus strand). Cytogenetic location: 2q31.2.
Variant type: single nucleotide variant.
Coding change: c.59927-19T>A on transcript NM_001267550.2 (MANE Select); 19 bases into the intron before coding-DNA position 59927, T replaced by A.
Molecular consequence: intron variant.
Genome position (GRCh38, 1-based): chr2:178,591,911, A>T on the plus strand (T>A on the coding strand, the complement: TTN is on the minus strand). VCF-style: chr2-178591911-A-T. GRCh37 (hg19) VCF-style: chr2-179456638-A-T.
Other names: c.55004-19T>A (NM_001256850.1); c.32732-19T>A (NM_003319.4); c.33308-19T>A (NM_133437.4); c.33107-19T>A (NM_133432.3); c.52223-19T>A (NM_133378.4).
Identifiers: ClinVar variation 507493 (VCV000507493.9), dbSNP rs772730956, ClinGen allele CA1992575.

ClinVar aggregate classification (germline): Likely benign. Review status: criteria provided, multiple submitters, no conflicts (2 of 4 stars). 2 submissions from 2 submitters: Likely benign (2). Last evaluated 2026-02-02.

Conditions:
Dilated cardiomyopathy 1G (CMD1G). Identifiers: Orphanet 154, MedGen C1858763, MONDO:0011400, OMIM 604145.
Autosomal recessive limb-girdle muscular dystrophy type 2J (LGMDR10). Also called: Limb-girdle muscular dystrophy, type 2J; MUSCULAR DYSTROPHY, LIMB-GIRDLE, AUTOSOMAL RECESSIVE 10. Identifiers: Orphanet 140922, MedGen C1837342, MONDO:0012127, OMIM 608807.

Allele frequency attached by ClinVar (database versions not stated): ExAC 0.00001; gnomAD exomes 0.00001 and 0.00002; TOPMed 0.00002; gnomAD 0.00003.
gnomAD v4.1: 26 of 1,605,398 alleles (0.0016%); highest among the groups gnomAD compares: Non-Finnish European, 0.0021%; no homozygotes.

Submissions (2):

Labcorp Genetics (formerly Invitae), Labcorp
Classification: Likely benign for Dilated cardiomyopathy 1G; Autosomal recessive limb-girdle muscular dystrophy type 2J. Last evaluated: 2026-02-02. Review status: criteria provided, single submitter. Criteria: Invitae Variant Classification Sherloc (09022015). Collection method: clinical testing. Allele origin: germline.

GeneDx
Classification: Likely benign. Last evaluated: 2017-02-14. Review status: criteria provided, single submitter. Criteria: GeneDx Variant Classification (06012015). Collection method: clinical testing. Allele origin: germline. Affected: yes.
Comment: This variant is considered likely benign or benign based on one or more of the following criteria: it is a conservative change, it occurs at a poorly conserved position in the protein, it is predicted to be benign by multiple in silico algorithms, and/or has population frequency not consistent with disease.